The following is an entry in ClinVar:

NM_014236.4(GNPAT):c.1190G>A (p.Arg397Gln)

Gene: GNPAT (glyceronephosphate O-acyltransferase; plus strand). Cytogenetic location: 1q42.2.
Variant type: single nucleotide variant.
Coding change: c.1190G>A on transcript NM_014236.4 (MANE Select); coding-DNA position 1190, G replaced by A.
Protein change: p.Arg397Gln; replaces arginine 397 with glutamine.
Molecular consequence: missense variant.
Genome position (GRCh38, 1-based): chr1:231,267,814, G>A. VCF-style: chr1-231267814-G-A. GRCh37 (hg19) VCF-style: chr1-231403560-G-A.
Other names: c.1007G>A, p.Arg336Gln (NM_001316350.2); short protein forms R336Q, R397Q.
Identifiers: ClinVar variation 1020931 (VCV001020931.3), dbSNP rs377107673, ClinGen allele CA1451981.

ClinVar aggregate classification (germline): Uncertain significance. Review status: criteria provided, multiple submitters, no conflicts (2 of 4 stars). 2 submissions from 2 submitters: Uncertain significance (2). Last evaluated 2024-05-22.

Allele frequency attached by ClinVar (database versions not stated): ExAC 0.00002; gnomAD exomes 0.00002 and 0.00003; TOPMed 0.00003; gnomAD 0.00004 and 0.00005; ESP Exome Variant Server 0.00008.
gnomAD v4.1: 40 of 1,613,430 alleles (0.0025%); highest among the groups gnomAD compares: Non-Finnish European, 0.0031%; no homozygotes.

Submissions (2):

Blueprint Genetics
Classification: Uncertain significance. Last evaluated: 2024-05-22. Review status: criteria provided, single submitter. Criteria: ACMG Guidelines, 2015. Collection method: clinical testing. Allele origin: germline.

Labcorp Genetics (formerly Invitae), Labcorp
Classification: Uncertain significance. Last evaluated: 2022-03-03. Review status: criteria provided, single submitter. Criteria: Invitae Variant Classification Sherloc (09022015). Collection method: clinical testing. Allele origin: germline.
Comment: This sequence change replaces arginine, which is basic and polar, with glutamine, which is neutral and polar, at codon 397 of the GNPAT protein (p.Arg397Gln). This variant is present in population databases (rs377107673, gnomAD 0.006%). This variant has not been reported in the literature in individuals affected with GNPAT-related conditions. ClinVar contains an entry for this variant (Variation ID: 1020931). Algorithms developed to predict the effect of missense changes on protein structure and function output the following: SIFT: "Tolerated"; PolyPhen-2: "Benign"; Align-GVGD: "Class C0". The glutamine amino acid residue is found in multiple mammalian species, which suggests that this missense change does not adversely affect protein function. In summary, the available evidence is currently insufficient to determine the role of this variant in disease. Therefore, it has been classified as a Variant of Uncertain Significance.